The following is an entry in ClinVar:

NM_002072.5(GNAQ):c.136+8C>T

Gene: GNAQ (G protein subunit alpha q; minus strand). Cytogenetic location: 9q21.2.
Variant type: single nucleotide variant.
Coding change: c.136+8C>T on transcript NM_002072.5 (MANE Select); 8 bases into the intron after coding-DNA position 136, C replaced by T.
Molecular consequence: intron variant.
Genome position (GRCh38, 1-based): chr9:78,031,092, G>A on the plus strand (C>T on the coding strand, the complement: GNAQ is on the minus strand). VCF-style: chr9-78031092-G-A. GRCh37 (hg19) VCF-style: chr9-80646008-G-A.
Identifiers: ClinVar variation 764049 (VCV000764049.4), dbSNP rs549576356, ClinGen allele CA5094737.
Genomic context (GRCh38, chr9:78,031,092, plus strand): 5'-TGCCCCGCAGGGCCAAGGATGGTGGGCTGGGGGCGCAGAGGCCCGGCGGGGCCCCGGACG[G>A]TACTCACCGAGCAGCAGCAGCTTGAGCTCCCGGCGGGCGTCCCGCTTGTCCCTGCGGAGC-3'

ClinVar aggregate classification (germline): Likely benign. Review status: criteria provided, multiple submitters, no conflicts (2 of 4 stars). 2 submissions from 2 submitters: Likely benign (2). Last evaluated 2026-08-05.

Conditions:
GNAQ-related disorder. Also called: GNAQ-related condition.

Allele frequency attached by ClinVar (database versions not stated): ExAC below 0.00001; gnomAD exomes 0.00001; gnomAD 0.00013 and 0.00014; 1000 Genomes Project 0.00020; TOPMed 0.00022; 1000 Genomes Project 30x 0.00031.
gnomAD v4.1: 27 of 1,508,196 alleles (0.0018%); highest among the groups gnomAD compares: Admixed American, 0.051%; no homozygotes.

Submissions (2):

PreventionGenetics, part of Exact Sciences
Classification: Likely benign for GNAQ-related condition. Last evaluated: 2026-08-05. Review status: criteria provided, single submitter. Criteria: ACMG Guidelines, 2015. Collection method: clinical testing. Allele origin: germline.
Comment: This variant is classified as likely benign based on ACMG/AMP sequence variant interpretation guidelines (Richards et al. 2015 PMID: 25741868, with internal and published modifications).

Labcorp Genetics (formerly Invitae), Labcorp
Classification: Likely benign. Last evaluated: 2018-08-05. Review status: criteria provided, single submitter. Criteria: Invitae Variant Classification Sherloc (09022015). Collection method: clinical testing. Allele origin: germline.